The following is an entry in ClinVar:

ClinVar aggregate classification (germline): Uncertain significance (1 of 4 stars; one submission).

Conditions:
KIDINS220-related disorder. Also called: KIDINS220-related condition.

Submission:

PreventionGenetics, part of Exact Sciences
Classification: Uncertain significance for KIDINS220-related condition. Last evaluated: 2026-01-27. Review status: criteria provided, single submitter. Criteria: ACMG Guidelines, 2015. Collection method: clinical testing. Allele origin: germline.
Comment: The KIDINS220 c.2035A>T variant is predicted to result in the amino acid substitution p.Ile679Leu. To our knowledge, this variant has not been reported in the literature or in a large population database (gnomAD), indicating this variant is rare. At this time, the clinical significance of this variant is uncertain due to the absence of conclusive functional and genetic evidence.

NM_020738.4(KIDINS220):c.2035A>T (p.Ile679Leu)

Gene: KIDINS220 (kinase D interacting substrate 220; minus strand). Cytogenetic location: 2p25.1.
Variant type: single nucleotide variant.
Coding change: c.2035A>T on transcript NM_020738.4 (MANE Select); coding-DNA position 2035, A replaced by T.
Protein change: p.Ile679Leu; replaces isoleucine 679 with leucine.
Molecular consequence: missense variant. On other transcripts: non-coding transcript variant (2).
Genome position (GRCh38, 1-based): chr2:8,785,935, T>A on the plus strand (A>T on the coding strand, the complement: KIDINS220 is on the minus strand). VCF-style: chr2-8785935-T-A. GRCh37 (hg19) VCF-style: chr2-8926065-T-A.
Other names: c.2038A>T, p.Ile680Leu (NM_001348729.2, NM_001348731.2, NM_001348734.2 and 3 more transcripts); c.2035A>T, p.Ile679Leu (NM_001348732.2, NM_001348735.2, NM_001348738.2 and 3 more transcripts); c.1909A>T, p.Ile637Leu (NM_001348736.2); short protein forms I679L, I680L, I637L.
Identifiers: ClinVar variation 4995964 (VCV004995964.1).